The following is an entry in ClinVar:

NM_024496.4(IRF2BPL):c.993dup (p.Pro332fs)

Gene: IRF2BPL (interferon regulatory factor 2 binding protein like; minus strand). Cytogenetic location: 14q24.3.
Variant type: Duplication.
Coding change: c.993dup on transcript NM_024496.4 (MANE Select); coding-DNA position 993, one base duplicated (G; older notation c.993dupG).
Protein change: p.Pro332fs; shifts the reading frame from proline 332.
Molecular consequence: frameshift variant.
Genome position (GRCh38, 1-based): chr14:77,026,800, C duplicated on the plus strand (G on the coding strand, the reverse complement: IRF2BPL is on the minus strand); the first of 2 consecutive C bases (chr14:77,026,800-77,026,801); duplicating either gives the same sequence. VCF-style (leftmost placement, unchanged base first): chr14-77026799-G-GC. GRCh37 (hg19) VCF-style: chr14-77493142-G-GC.
Other names: short protein forms P332fs.
Identifiers: ClinVar variation 4292088 (VCV004292088.1).

ClinVar aggregate classification (germline): Likely pathogenic (1 of 4 stars; one submission).

Conditions:
Neurodevelopmental disorder with regression, abnormal movements, loss of speech, and seizures. Identifiers: Orphanet 597623, MedGen C4748127, MONDO:0060759, OMIM 618088.

Submission:

3billion
Classification: Likely pathogenic for Neurodevelopmental disorder with regression, abnormal movements, loss of speech, and seizures. Last evaluated: 2024-06-24. Review status: criteria provided, single submitter. Criteria: ACMG Guidelines, 2015. Collection method: clinical testing. Allele origin: germline. Affected: yes.
Comment: The variant is not observed in the gnomAD v4.0.0 dataset. Predicted Consequence/Location: Frameshift: predicted to result in a loss or disruption of normal protein function through protein truncation. The predicted truncated protein may be shortened by more than 10%. Therefore, this variant is classified as Likely pathogenic according to the recommendation of ACMG/AMP guideline.